The following is an entry in ClinVar:

ClinVar aggregate classification (germline): Uncertain significance (1 of 4 stars; one submission).

gnomAD v4.1: 1 of 1,611,034 alleles (0.000062%); highest among the groups gnomAD compares: African/African-American, 0.0013%; no homozygotes.

Submission:

Dasa
Classification: Uncertain significance. Last evaluated: 2026-07-17. Review status: criteria provided, single submitter. Criteria: DASA Assertion Criteria. Collection method: clinical testing. Allele origin: germline.
Comment: NM_001606.5(ABCA2):c.1566G>C (p.Glu522Asp) is a missense variant that results in the substitution of glutamic acid with aspartic acid. This variant is rare in population databases. The currently available literature and clinical evidence are not sufficient to establish a definitive association between this variant and the reported condition. Therefore, this variant is classified as a variant of uncertain significance.

NM_001606.5(ABCA2):c.1566G>C (p.Glu522Asp)

Gene: ABCA2 (ATP binding cassette subfamily A member 2; minus strand). Cytogenetic location: 9q34.3.
Variant type: single nucleotide variant.
Coding change: c.1566G>C on transcript NM_001606.5 (MANE Select); coding-DNA position 1566, G replaced by C.
Protein change: p.Glu522Asp; replaces glutamic acid 522 with aspartic acid.
Molecular consequence: missense variant.
Genome position (GRCh38, 1-based): chr9:137,019,059, C>G on the plus strand (G>C on the coding strand, the complement: ABCA2 is on the minus strand). VCF-style: chr9-137019059-C-G. GRCh37 (hg19) VCF-style: chr9-139913511-C-G.
Other names: c.1656G>C, p.Glu552Asp (NM_212533.3); c.1563G>C, p.Glu521Asp (NM_001411042.1); short protein forms E521D, E522D, E552D.
Identifiers: ClinVar variation 5020185 (VCV005020185.1).